The following is an entry in ClinVar:

NM_005560.6(LAMA5):c.9581C>T (p.Ala3194Val)

Gene: LAMA5 (laminin subunit alpha 5; minus strand). Cytogenetic location: 20q13.33.
Variant type: single nucleotide variant.
Coding change: c.9581C>T on transcript NM_005560.6 (MANE Select); coding-DNA position 9581, C replaced by T.
Protein change: p.Ala3194Val; replaces alanine 3194 with valine.
Molecular consequence: missense variant.
Genome position (GRCh38, 1-based): chr20:62,311,974, G>A on the plus strand (C>T on the coding strand, the complement: LAMA5 is on the minus strand). VCF-style: chr20-62311974-G-A. GRCh37 (hg19) VCF-style: chr20-60887030-G-A.
Other names: short protein forms A3194V.
Identifiers: ClinVar variation 2514750 (VCV002514750.27), dbSNP rs201837442, ClinGen allele CA9940159.

ClinVar aggregate classification (germline): Conflicting classifications of pathogenicity. Review status: criteria provided, conflicting classifications (1 of 4 stars). 2 submissions from 2 submitters: Uncertain significance (1); Likely benign (1). Last evaluated 2025-08-08.

Conditions:
Inborn genetic diseases. Identifiers: MedGen C0950123, MeSH D030342.

Allele frequency attached by ClinVar (database versions not stated): ExAC 0.00002; TOPMed 0.00005; gnomAD 0.00006; 1000 Genomes Project 30x 0.00016; 1000 Genomes Project 0.00020.
gnomAD v4.1: 84 of 1,612,688 alleles (0.0052%); highest among the groups gnomAD compares: South Asian, 0.0099%; no homozygotes.

Submissions (2):

Ambry Genetics
Classification: Uncertain significance for Inborn genetic diseases. Last evaluated: 2025-08-08. Review status: criteria provided, single submitter. Criteria: Ambry Variant Classification Scheme 2023. Collection method: clinical testing. Allele origin: germline.

CeGaT Center for Human Genetics Tuebingen
Classification: Likely benign. Last evaluated: 2022-06-01. Review status: criteria provided, single submitter. Criteria: CeGaT Center For Human Genetics Tuebingen Variant Classification Criteria Version 2. Collection method: clinical testing. Allele origin: germline. Affected: yes. Observed: 1 variant allele.
Comment: LAMA5: BP4